The following is an entry in ClinVar:

ClinVar aggregate classification (germline): Uncertain significance. Review status: criteria provided, multiple submitters, no conflicts (2 of 4 stars). 2 submissions from 2 submitters: Uncertain significance (2). Last evaluated 2024-01-10.

Allele frequency attached by ClinVar (database versions not stated): gnomAD exomes 0.00001; TOPMed 0.00001; ExAC 0.00002; gnomAD 0.00002; ESP Exome Variant Server 0.00008.
gnomAD v4.1: 17 of 1,613,968 alleles (0.0011%); highest among the groups gnomAD compares: East Asian, 0.011%; no homozygotes.

Submissions (2):

Blueprint Genetics
Classification: Uncertain significance. Last evaluated: 2024-01-10. Review status: criteria provided, single submitter. Criteria: ACMG Guidelines, 2015. Collection method: clinical testing. Allele origin: germline.

Labcorp Genetics (formerly Invitae), Labcorp
Classification: Uncertain significance. Last evaluated: 2022-05-01. Review status: criteria provided, single submitter. Criteria: Invitae Variant Classification Sherloc (09022015). Collection method: clinical testing. Allele origin: germline.
Comment: This sequence change replaces glycine, which is neutral and non-polar, with arginine, which is basic and polar, at codon 767 of the AGBL5 protein (p.Gly767Arg). This variant is present in population databases (rs368224692, gnomAD 0.02%). This variant has not been reported in the literature in individuals affected with AGBL5-related conditions. Algorithms developed to predict the effect of missense changes on protein structure and function are either unavailable or do not agree on the potential impact of this missense change (SIFT: "Tolerated"; PolyPhen-2: "Probably Damaging"; Align-GVGD: "Class C0"). In summary, the available evidence is currently insufficient to determine the role of this variant in disease. Therefore, it has been classified as a Variant of Uncertain Significance.

NM_021831.6(AGBL5):c.2299G>A (p.Gly767Arg)

Gene: AGBL5 (AGBL carboxypeptidase 5; plus strand). Cytogenetic location: 2p23.3.
Variant type: single nucleotide variant.
Coding change: c.2299G>A on transcript NM_021831.6 (MANE Select); coding-DNA position 2299, G replaced by A.
Protein change: p.Gly767Arg; replaces glycine 767 with arginine.
Molecular consequence: missense variant. On other transcripts: non-coding transcript variant (2).
Genome position (GRCh38, 1-based): chr2:27,068,688, G>A. VCF-style: chr2-27068688-G-A. GRCh37 (hg19) VCF-style: chr2-27291556-G-A.
Other names: c.2299G>A, p.Gly767Arg (NM_001035506.1); short protein forms G767R.
Identifiers: ClinVar variation 1939004 (VCV001939004.3), dbSNP rs368224692, ClinGen allele CA1568182.